The following is an entry in ClinVar:

ClinVar aggregate classification (germline): Uncertain significance. Review status: criteria provided, multiple submitters, no conflicts (2 of 4 stars). 4 submissions from 4 submitters: Uncertain significance (4). Last evaluated 2025-05-25.

Conditions:
Breast-ovarian cancer, familial, susceptibility to, 4. Identifiers: Orphanet 145, MedGen C3280345, MONDO:0013669, OMIM 614291.
Hereditary cancer-predisposing syndrome. Also called: Hereditary neoplastic syndrome; Tumor predisposition; Neoplastic Syndromes, Hereditary; Hereditary Cancer Syndrome. Identifiers: Orphanet 140162, MedGen C0027672, MeSH D009386, MONDO:0015356.

Allele frequency attached by ClinVar (database versions not stated): ExAC 0.00001; gnomAD exomes 0.00001.
gnomAD v4.1: 9 of 1,614,192 alleles (0.00056%); highest among the groups gnomAD compares: Middle Eastern, 0.033%; no homozygotes.

Submissions (4):

Ambry Genetics
Classification: Uncertain significance for Hereditary cancer-predisposing syndrome. Last evaluated: 2025-05-25. Review status: criteria provided, single submitter. Criteria: Ambry Variant Classification Scheme 2023. Collection method: clinical testing. Allele origin: germline.
Comment: The p.A69T variant (also known as c.205G>A), located in coding exon 3 of the RAD51D gene, results from a G to A substitution at nucleotide position 205. The alanine at codon 69 is replaced by threonine, an amino acid with similar properties. This amino acid position is highly conserved in available vertebrate species. In addition, the in silico prediction for this alteration is inconclusive. Since supporting evidence is limited at this time, the clinical significance of this alteration remains unclear.

Color Diagnostics, LLC DBA Color Health
Classification: Uncertain significance for Hereditary cancer-predisposing syndrome. Last evaluated: 2023-12-05. Review status: criteria provided, single submitter. Criteria: ACMG Guidelines, 2015. Collection method: clinical testing. Allele origin: germline.
Comment: This missense variant replaces alanine with threonine at codon 69 of the RAD51D protein. Computational prediction suggests that this variant may not impact protein structure and function (internally defined REVEL score threshold <= 0.5, PMID: 27666373). To our knowledge, functional studies have not been reported for this variant. This variant has not been reported in individuals affected with RAD51D-related disorders in the literature. This variant has been identified in 3/251456 chromosomes in the general population by the Genome Aggregation Database (gnomAD). The available evidence is insufficient to determine the role of this variant in disease conclusively. Therefore, this variant is classified as a Variant of Uncertain Significance.

Labcorp Genetics (formerly Invitae), Labcorp
Classification: Uncertain significance for Breast-ovarian cancer, familial, susceptibility to, 4. Last evaluated: 2023-08-01. Review status: criteria provided, single submitter. Criteria: Invitae Variant Classification Sherloc (09022015). Collection method: clinical testing. Allele origin: germline.
Comment: This sequence change replaces alanine, which is neutral and non-polar, with threonine, which is neutral and polar, at codon 69 of the RAD51D protein (p.Ala69Thr). In summary, the available evidence is currently insufficient to determine the role of this variant in disease. Therefore, it has been classified as a Variant of Uncertain Significance. Advanced modeling of protein sequence and biophysical properties (such as structural, functional, and spatial information, amino acid conservation, physicochemical variation, residue mobility, and thermodynamic stability) performed at Invitae indicates that this missense variant is not expected to disrupt RAD51D protein function. ClinVar contains an entry for this variant (Variation ID: 418972). This variant has not been reported in the literature in individuals affected with RAD51D-related conditions. This variant is present in population databases (rs763439048, gnomAD 0.003%).

GeneDx
Classification: Uncertain significance. Last evaluated: 2022-09-22. Review status: criteria provided, single submitter. Criteria: GeneDx Variant Classification Process June 2021. Collection method: clinical testing. Allele origin: germline. Affected: yes.
Comment: Not observed at a significant frequency in large population cohorts (gnomAD); In silico analysis supports that this missense variant does not alter protein structure/function; Has not been previously published as pathogenic or benign to our knowledge; This variant is associated with the following publications: (PMID: 14704354, 19327148)

NM_002878.4(RAD51D):c.205G>A (p.Ala69Thr)

Genes: RAD51D (RAD51 paralog D; minus strand), RAD51L3-RFFL (RAD51L3-RFFL readthrough; minus strand). Cytogenetic location: 17q12.
Variant type: single nucleotide variant.
Coding change: c.205G>A on transcript NM_002878.4 (MANE Select); coding-DNA position 205, G replaced by A.
Protein change: p.Ala69Thr; replaces alanine 69 with threonine.
Molecular consequence: missense variant. On other transcripts: intron variant (2).
Genome position (GRCh38, 1-based): chr17:35,118,559, C>T on the plus strand (G>A on the coding strand, the complement: RAD51D is on the minus strand). VCF-style: chr17-35118559-C-T. GRCh37 (hg19) VCF-style: chr17-33445578-C-T.
Other names: c.144+552G>A (NM_133629.3, NM_001142571.2); short protein forms A69T.
Identifiers: ClinVar variation 418972 (VCV000418972.21), dbSNP rs763439048, ClinGen allele CA8499626.